The following is an entry in ClinVar:

NM_001164508.2(NEB):c.1605del (p.Phe535fs)

Gene: NEB (nebulin; minus strand). Cytogenetic location: 2q23.3.
Variant type: Deletion.
Coding change: c.1605del on transcript NM_001164508.2 (MANE Select); coding-DNA position 1605, one base deleted (C; older notation c.1605delC).
Protein change: p.Phe535fs; shifts the reading frame from phenylalanine 535.
Molecular consequence: frameshift variant.
Genome position (GRCh38, 1-based): chr2:151,695,647, G deleted on the plus strand (C on the coding strand, the reverse complement: NEB is on the minus strand). VCF-style (leftmost placement, unchanged base first): chr2-151695646-TG-T. GRCh37 (hg19) VCF-style: chr2-152552160-TG-T.
Other names: c.1605del, p.Phe535fs (NM_001164507.2, NM_001271208.2, NM_004543.5); short protein forms F535fs.
Identifiers: ClinVar variation 2708321 (VCV002708321.3), dbSNP rs2552269135, ClinGen allele CA2697551154.
Genomic context (GRCh38, chr2:151,695,646, plus strand): 5'-AGTTATAGGCATTGACTTTGTGCTGGATAAAAGCAGGAGTATCAGGGGGGATATGGCACT[TG>T]AACTTTTCACTTTCATGTTTTGCTTTGTAATTTAACTATGACAGAGAGAGAACCAATTAG-3'

ClinVar aggregate classification (germline): Pathogenic (1 of 4 stars; one submission).

Conditions:
Nemaline myopathy 2 (NEM2). Also called: Nemaline myopathy 2, autosomal recessive. Identifiers: MedGen C1850569, MONDO:0009725, OMIM 256030.

Submission:

Labcorp Genetics (formerly Invitae), Labcorp
Classification: Pathogenic for Nemaline myopathy 2. Last evaluated: 2024-01-08. Review status: criteria provided, single submitter. Criteria: Invitae Variant Classification Sherloc (09022015). Collection method: clinical testing. Allele origin: germline.
Comment: This sequence change creates a premature translational stop signal (p.Phe535Leufs*22) in the NEB gene. It is expected to result in an absent or disrupted protein product. Loss-of-function variants in NEB are known to be pathogenic (PMID: 25205138). This variant is not present in population databases (gnomAD no frequency). This variant has not been reported in the literature in individuals affected with NEB-related conditions. Algorithms developed to predict the effect of sequence changes on RNA splicing suggest that this variant may disrupt the consensus splice site. For these reasons, this variant has been classified as Pathogenic.

Literature cited by the submitters: PubMed 25205138.